The following is an entry in ClinVar:

ClinVar aggregate classification (germline): Uncertain significance. Review status: criteria provided, multiple submitters, no conflicts (2 of 4 stars). 2 submissions from 2 submitters: Uncertain significance (2). Last evaluated 2023-06-02.

Conditions:
Inborn genetic diseases. Identifiers: MedGen C0950123, MeSH D030342.
Leukocyte adhesion deficiency 1 (LAD1). Also called: LEUKOCYTE ADHESION DEFICIENCY, TYPE I; LAD 1; Lymphocyte function-associated antigen 1 immunodeficiency; LFA 1 immunodeficiency. Identifiers: Orphanet 2968, Orphanet 99842, MedGen C0398738, MONDO:0007293, OMIM 116920.

Allele frequency attached by ClinVar (database versions not stated): gnomAD exomes 0.00001 and 0.00002; ExAC 0.00004; TOPMed 0.00007; ESP Exome Variant Server 0.00008; gnomAD 0.00009 and 0.00010.
gnomAD v4.1: 26 of 1,613,864 alleles (0.0016%); highest among the groups gnomAD compares: African/African-American, 0.031%; no homozygotes.

Submissions (2):

Ambry Genetics
Classification: Uncertain significance for Inborn genetic diseases. Last evaluated: 2023-06-02. Review status: criteria provided, single submitter. Criteria: Ambry Variant Classification Scheme 2023. Collection method: clinical testing. Allele origin: germline.

Labcorp Genetics (formerly Invitae), Labcorp
Classification: Uncertain significance for Leukocyte adhesion deficiency 1. Last evaluated: 2022-07-05. Review status: criteria provided, single submitter. Criteria: Invitae Variant Classification Sherloc (09022015). Collection method: clinical testing. Allele origin: germline.
Comment: This variant is present in population databases (rs374494108, gnomAD 0.03%). This sequence change replaces alanine, which is neutral and non-polar, with valine, which is neutral and non-polar, at codon 112 of the ITGB2 protein (p.Ala112Val). This variant has not been reported in the literature in individuals affected with ITGB2-related conditions. In summary, the available evidence is currently insufficient to determine the role of this variant in disease. Therefore, it has been classified as a Variant of Uncertain Significance. Algorithms developed to predict the effect of sequence changes on RNA splicing suggest that this variant may create or strengthen a splice site. Algorithms developed to predict the effect of missense changes on protein structure and function are either unavailable or do not agree on the potential impact of this missense change (SIFT: "Tolerated"; PolyPhen-2: "Possibly Damaging"; Align-GVGD: "Class C0"). ClinVar contains an entry for this variant (Variation ID: 1485511).

NM_000211.5(ITGB2):c.335C>T (p.Ala112Val)

Gene: ITGB2 (integrin subunit beta 2; minus strand). Cytogenetic location: 21q22.3.
Variant type: single nucleotide variant.
Coding change: c.335C>T on transcript NM_000211.5 (MANE Select); coding-DNA position 335, C replaced by T.
Protein change: p.Ala112Val; replaces alanine 112 with valine.
Molecular consequence: missense variant.
Genome position (GRCh38, 1-based): chr21:44,903,529, G>A on the plus strand (C>T on the coding strand, the complement: ITGB2 is on the minus strand). VCF-style: chr21-44903529-G-A. GRCh37 (hg19) VCF-style: chr21-46323444-G-A.
Other names: c.335C>T, p.Ala112Val (NM_001127491.3); c.128C>T, p.Ala43Val (NM_001303238.2); c.335C>T (NM_000211.3); short protein forms A43V, A112V.
Identifiers: ClinVar variation 1485511 (VCV001485511.6), dbSNP rs374494108, ClinGen allele CA10063239.